The following is an entry in ClinVar:

NM_000435.3(NOTCH3):c.5612C>T (p.Ser1871Leu)

Gene: NOTCH3 (notch receptor 3; minus strand). Cytogenetic location: 19p13.12.
Variant type: single nucleotide variant.
Coding change: c.5612C>T on transcript NM_000435.3 (MANE Select); coding-DNA position 5612, C replaced by T.
Protein change: p.Ser1871Leu; replaces serine 1871 with leucine.
Molecular consequence: missense variant.
Genome position (GRCh38, 1-based): chr19:15,165,842, G>A on the plus strand (C>T on the coding strand, the complement: NOTCH3 is on the minus strand). VCF-style: chr19-15165842-G-A. GRCh37 (hg19) VCF-style: chr19-15276653-G-A.
Other names: short protein forms S1871L.
Identifiers: ClinVar variation 3300493 (VCV003300493.2).
Genomic context (GRCh38, chr19:15,165,842, plus strand): 5'-CTCACCTGGAAGACACCCTGGGCATCGGCTGTGACAGCTGTGTGCAGGGGAGTGCGGCCT[G>A]AGTGGTCCTGGGCATTGGTGTCTGCCCCAGCATCCAGCAGCCGCTTGGCTGCATCAGCAC-3'
Protein context (NP_000426.2, residues 1861-1881): AGADTNAQDH[Ser1871Leu]GRTPLHTAVT

ClinVar aggregate classification (germline): Uncertain significance. Review status: criteria provided, single submitter (1 of 4 stars). 2 submissions from 2 submitters: Uncertain significance (1). 1 of the submissions does not count toward it. Last evaluated 2024-03-18.

Conditions:
Inborn genetic diseases. Identifiers: MedGen C0950123, MeSH D030342.
NOTCH3-related disorder. Also called: NOTCH3-related condition; NOTCH3-related disorders.

gnomAD v4.1: 4 of 1,613,960 alleles (0.00025%); highest among the groups gnomAD compares: East Asian, 0.0022%; no homozygotes.

Submissions (2):

Ambry Genetics
Classification: Uncertain significance for Inborn genetic diseases. Last evaluated: 2024-03-18. Review status: criteria provided, single submitter. Criteria: Ambry Variant Classification Scheme 2023. Collection method: clinical testing. Allele origin: germline.

PreventionGenetics, part of Exact Sciences
Classification: Uncertain significance for NOTCH3-related condition. Last evaluated: 2024-03-18. Review status: no assertion criteria provided. Collection method: clinical testing. Allele origin: germline. Not counted in ClinVar's aggregate classification.
Comment: The NOTCH3 c.5612C>T variant is predicted to result in the amino acid substitution p.Ser1871Leu. To our knowledge, this variant has not been reported in the literature. This variant is reported in 0.0054% of alleles in individuals of East Asian descent in gnomAD. At this time, the clinical significance of this variant is uncertain due to the absence of conclusive functional and genetic evidence.